The following is an entry in ClinVar:

ClinVar aggregate classification (germline): Uncertain significance (1 of 4 stars; one submission).

gnomAD v4.1: 6 of 1,613,586 alleles (0.00037%); highest among the groups gnomAD compares: Non-Finnish European, 0.00042%; no homozygotes.

Submission:

GeneDx
Classification: Uncertain significance. Last evaluated: 2025-07-11. Review status: criteria provided, single submitter. Criteria: GeneDx Variant Classification Process June 2021. Collection method: clinical testing. Allele origin: germline. Affected: yes.
Comment: Not observed at significant frequency in large population cohorts (gnomAD); In silico analysis supports that this missense variant has a deleterious effect on protein structure/function; Has not been previously published as pathogenic or benign to our knowledge

NM_001395159.1(UNC79):c.7256C>T (p.Thr2419Ile)

Gene: UNC79 (unc-79 subunit of NALCN channel complex; plus strand). Cytogenetic location: 14q32.12.
Variant type: single nucleotide variant.
Coding change: c.7256C>T on transcript NM_001395159.1 (MANE Select); coding-DNA position 7256, C replaced by T.
Protein change: p.Thr2419Ile; replaces threonine 2419 with isoleucine.
Molecular consequence: missense variant.
Genome position (GRCh38, 1-based): chr14:93,688,678, C>T. VCF-style: chr14-93688678-C-T. GRCh37 (hg19) VCF-style: chr14-94155024-C-T.
Other names: c.7190C>T, p.Thr2397Ile (NM_001346218.2); c.6509C>T, p.Thr2170Ile (NM_020818.5); short protein forms T2170I, T2397I, T2419I.
Identifiers: ClinVar variation 4685112 (VCV004685112.1).